The following is an entry in ClinVar:

NM_020347.4(LZTFL1):c.634G>A (p.Glu212Lys)

Gene: LZTFL1 (leucine zipper transcription factor like 1; minus strand). Cytogenetic location: 3p21.31.
Variant type: single nucleotide variant.
Coding change: c.634G>A on transcript NM_020347.4 (MANE Select); coding-DNA position 634, G replaced by A.
Protein change: p.Glu212Lys; replaces glutamic acid 212 with lysine.
Molecular consequence: missense variant. On other transcripts: non-coding transcript variant (1).
Genome position (GRCh38, 1-based): chr3:45,828,582, C>T on the plus strand (G>A on the coding strand, the complement: LZTFL1 is on the minus strand). VCF-style: chr3-45828582-C-T. GRCh37 (hg19) VCF-style: chr3-45870074-C-T.
Other names: c.583G>A, p.Glu195Lys (NM_001276378.2, NM_001386451.1, NM_001405922.1 and 4 more transcripts); c.622G>A, p.Glu208Lys (NM_001276379.2, NM_001405921.1); c.634G>A, p.Glu212Lys (NM_001386452.1); c.658G>A, p.Glu220Lys (NM_001405920.1, NM_001405925.1); c.568G>A, p.Glu190Lys (NM_001405924.1); c.634G>A (NM_020347.3); short protein forms E190K, E195K, E208K, E212K, E220K.
Identifiers: ClinVar variation 2154813 (VCV002154813.3), dbSNP rs146835760, ClinGen allele CA2351884.

ClinVar aggregate classification (germline): Uncertain significance. Review status: criteria provided, multiple submitters, no conflicts (2 of 4 stars). 2 submissions from 2 submitters: Uncertain significance (2). Last evaluated 2026-08-27.

Conditions:
LZTFL1-related disorder. Also called: LZTFL1-related condition.

Allele frequency attached by ClinVar (database versions not stated): ExAC 0.00002; gnomAD 0.00002; TOPMed 0.00003; ESP Exome Variant Server 0.00008; gnomAD exomes 0.00009.
gnomAD v4.1: 126 of 1,613,892 alleles (0.0078%); highest among the groups gnomAD compares: Non-Finnish European, 0.011%; no homozygotes.

Submissions (2):

PreventionGenetics, part of Exact Sciences
Classification: Uncertain significance for LZTFL1-related condition. Last evaluated: 2026-08-27. Review status: criteria provided, single submitter. Criteria: ACMG Guidelines, 2015. Collection method: clinical testing. Allele origin: germline.
Comment: The LZTFL1 c.634G>A variant is predicted to result in the amino acid substitution p.Glu212Lys. To our knowledge, this variant has not been reported in the literature. This variant is reported in 0.0054% of alleles in individuals of European (Non-Finnish) descent in gnomAD. At this time, the clinical significance of this variant is uncertain due to the absence of conclusive functional and genetic evidence.

Labcorp Genetics (formerly Invitae), Labcorp
Classification: Uncertain significance. Last evaluated: 2022-07-23. Review status: criteria provided, single submitter. Criteria: Invitae Variant Classification Sherloc (09022015). Collection method: clinical testing. Allele origin: germline.
Comment: This sequence change replaces glutamic acid, which is acidic and polar, with lysine, which is basic and polar, at codon 212 of the LZTFL1 protein (p.Glu212Lys). This variant is present in population databases (rs146835760, gnomAD 0.005%). This variant has not been reported in the literature in individuals affected with LZTFL1-related conditions. Algorithms developed to predict the effect of missense changes on protein structure and function are either unavailable or do not agree on the potential impact of this missense change (SIFT: "Deleterious"; PolyPhen-2: "Benign"; Align-GVGD: "Class C55"). In summary, the available evidence is currently insufficient to determine the role of this variant in disease. Therefore, it has been classified as a Variant of Uncertain Significance.